The following is an entry in ClinVar:

NM_001370466.1(NOD2):c.1726C>A (p.His576Asn)

Gene: NOD2 (nucleotide binding oligomerization domain containing 2; plus strand). Cytogenetic location: 16q12.1.
Variant type: single nucleotide variant.
Coding change: c.1726C>A on transcript NM_001370466.1 (MANE Select); coding-DNA position 1726, C replaced by A.
Protein change: p.His576Asn; replaces histidine 576 with asparagine.
Molecular consequence: missense variant. On other transcripts: non-coding transcript variant (1).
Genome position (GRCh38, 1-based): chr16:50,711,718, C>A. VCF-style: chr16-50711718-C-A. GRCh37 (hg19) VCF-style: chr16-50745629-C-A.
Other names: c.1726C>A, p.His576Asn (NM_001293557.2); c.1807C>A, p.His603Asn (NM_022162.3); short protein forms H576N, H603N.
Identifiers: ClinVar variation 4292961 (VCV004292961.2).
Genomic context (GRCh38, chr16:50,711,718, plus strand): 5'-GGCTTCCTGGTGCGTGCCAAAGGTGTCGTGCCAGGGAGTACGGCGCCCCTGGAATTCCTT[C>A]ACATCACTTTCCAGTGCTTCTTTGCCGCGTTCTACCTGGCACTCAGTGCTGATGTGCCAC-3'
Protein context (NP_001357395.1, residues 566-586): PGSTAPLEFL[His576Asn]ITFQCFFAAF

ClinVar aggregate classification (germline): Likely pathogenic (1 of 4 stars; one submission).

Conditions:
Blau syndrome (BLAUS). Also called: ARTHROCUTANEOUVEAL GRANULOMATOSIS; GRANULOMATOSIS, FAMILIAL JUVENILE SYSTEMIC; GRANULOMATOSIS, FAMILIAL, BLAU TYPE; GRANULOMATOUS INFLAMMATORY ARTHRITIS, DERMATITIS, AND UVEITIS, FAMILIAL; JABS SYNDROME. Identifiers: Orphanet 90340, MedGen C5201146, MONDO:0008523, OMIM 186580.

Submission:

3billion
Classification: Likely pathogenic for Blau syndrome. Last evaluated: 2025-05-16. Review status: criteria provided, single submitter. Criteria: ACMG Guidelines, 2015. Collection method: clinical testing. Allele origin: germline. Affected: yes.
Comment: The variant is not observed in the gnomAD v4.1.0 dataset. Predicted Consequence/Location: Missense variant. Missense changes are a common disease-causing mechanism. In silico tool predictions suggest damaging effect of the variant on gene or gene product [REVEL: 0.85 (>=0.6, sensitivity 0.68 and specificity 0.92)]. Different missense changes at the same codon (p.His576Arg, p.His576Asp) have been reported to be associated with NOD2-related disorder (PMID: 29570830, 33042144). Therefore, this variant is classified as Likely pathogenic according to the recommendation of ACMG/AMP guideline.

Literature cited by the submitters: PubMed 29570830.